The following is an entry in ClinVar:

ClinVar aggregate classification (germline): Likely pathogenic (1 of 4 stars; one submission).

Allele frequency attached by ClinVar (database versions not stated): TOPMed below 0.00001.

Submission:

Labcorp Genetics (formerly Invitae), Labcorp
Classification: Likely pathogenic. Last evaluated: 2022-03-08. Review status: criteria provided, single submitter. Criteria: Invitae Variant Classification Sherloc (09022015). Collection method: clinical testing. Allele origin: germline.
Comment: Algorithms developed to predict the effect of sequence changes on RNA splicing suggest that this variant may disrupt the consensus splice site. In summary, the currently available evidence indicates that the variant is pathogenic, but additional data are needed to prove that conclusively. Therefore, this variant has been classified as Likely Pathogenic. This variant has not been reported in the literature in individuals affected with PRCD-related conditions. This sequence change affects an acceptor splice site in intron 1 of the PRCD gene. It is expected to disrupt RNA splicing. Variants that disrupt the donor or acceptor splice site typically lead to a loss of protein function (PMID: 16199547), and loss-of-function variants in PRCD are known to be pathogenic (PMID: 16938425, 20507925, 23805042, 28181551). This variant is not present in population databases (gnomAD no frequency).

Literature cited by the submitters: PubMed 16199547; PubMed 16938425; PubMed 20507925; PubMed 23805042; PubMed 28181551.

NM_001077620.3(PRCD):c.75-2A>C

Genes: CYGB (cytoglobin; minus strand), PRCD (photoreceptor disc component; plus strand). Cytogenetic location: 17q25.1.
Variant type: single nucleotide variant.
Coding change: c.75-2A>C on transcript NM_001077620.3 (MANE Select); the canonical splice acceptor site of the intron before coding-DNA position 75, A replaced by C.
Molecular consequence: splice acceptor variant.
Genome position (GRCh38, 1-based): chr17:76,540,503, A>C. VCF-style: chr17-76540503-A-C. GRCh37 (hg19) VCF-style: chr17-74536585-A-C.
Identifiers: ClinVar variation 1976161 (VCV001976161.5), dbSNP rs1598211633, ClinGen allele CA401182097.